The following is an entry in ClinVar:

NM_007294.4(BRCA1):c.949_953del (p.Ser316_Gln317insTer)

Gene: BRCA1 (BRCA1 DNA repair associated; minus strand). Cytogenetic location: 17q21.31.
Variant type: Deletion.
Coding change: c.949_953del on transcript NM_007294.4 (MANE Select); coding-DNA positions 949 to 953, 5 bases deleted (CAACA; older notation c.949_953delCAACA).
Protein change: p.Ser316_Gln317insTer.
Molecular consequence: nonsense. On other transcripts: intron variant (137).
Genome position (GRCh38, 1-based): chr17:43,094,578-43,094,582, TGTTG deleted on the plus strand (CAACA on the coding strand, the reverse complement: BRCA1 is on the minus strand). VCF-style (leftmost placement, unchanged base first): chr17-43094577-ATGTTG-A. GRCh37 (hg19) VCF-style: chr17-41246594-ATGTTG-A.
Other names: 1068del5; c.784+162_784+166del (NM_001408398.1, NM_001407992.1, NM_001408400.1 and 13 more transcripts); c.664+162_664+166del (NM_001408440.1, NM_001408428.1, NM_001408441.1 and 12 more transcripts); c.670+1264_670+1268del (NM_001408418.1, NM_001408423.1, NM_001408420.1 and 2 more transcripts); c.787+162_787+166del (NM_001407981.1, NM_007298.4, NM_001407978.1 and 19 more transcripts); c.643+162_643+166del (NM_001408462.1, NM_001408470.1, NM_001408464.1 and 3 more transcripts); c.709+162_709+166del (NM_001408414.1, NM_001408411.1, NM_001408415.1 and 2 more transcripts); c.577+162_577+166del (NM_001408514.1, NM_001408485.1, NM_001408483.1 and 9 more transcripts); and 41 more.
Identifiers: ClinVar variation 55763 (VCV000055763.6), dbSNP rs80357555, ClinGen allele CA003979.
Genomic context (GRCh38, chr17:43,094,577, plus strand): 5'-TTTTTCTGTGCTGGGAGTCCGCCTATCATTACATGTTTCCTTACTTCCAGCCCATCTGTT[ATGTTG>A]GCTCCTTGCTAAGCCAGGCTGTTTGCTTTTATTACAGAATTCAGCCTTTTCTACATTCAT-3'

ClinVar aggregate classification (germline): Pathogenic. Review status: reviewed by expert panel (3 of 4 stars). 3 submissions from 3 submitters: Pathogenic (1). 2 of the submissions do not count toward it. Last evaluated 2016-09-08.

Conditions:
Hereditary breast ovarian cancer syndrome. Also called: BRCA1- and BRCA2-Associated Hereditary Breast and Ovarian Cancer; Hereditary breast and ovarian cancer syndrome; Hereditary breast and ovarian cancer syndrome (HBOC); Breast and ovarian cancer; Hereditary breast and/or ovarian cancer syndrome; Hereditary breast and ovarian cancer. Identifiers: Orphanet 145, MedGen C0677776, MeSH D061325, MONDO:0003582. Disease mechanism: loss of function.
Breast-ovarian cancer, familial, susceptibility to, 1 (BROVCA1). Also called: BRCA1 Hereditary Breast and Ovarian Cancer; OVARIAN CANCER, SUSCEPTIBILITY TO. Identifiers: Orphanet 145, MedGen C2676676, MONDO:0011450, OMIM 604370. Disease mechanism: loss of function.

Submissions (3):

Evidence-based Network for the Interpretation of Germline Mutant Alleles (ENIGMA)
Classification: Pathogenic for Breast-ovarian cancer, familial, susceptibility to, 1. Last evaluated: 2016-09-08. Review status: reviewed by expert panel. Criteria: ENIGMA BRCA1/2 Classification Criteria (2015). Collection method: curation. Allele origin: germline.
Comment: Variant allele predicted to encode a truncated non-functional protein.

Labcorp Genetics (formerly Invitae), Labcorp
Classification: Pathogenic for Hereditary breast ovarian cancer syndrome. Last evaluated: 2022-12-19. Review status: criteria provided, single submitter. Criteria: Invitae Variant Classification Sherloc (09022015). Collection method: clinical testing. Allele origin: germline. Not counted in ClinVar's aggregate classification.
Comment: For these reasons, this variant has been classified as Pathogenic. ClinVar contains an entry for this variant (Variation ID: 55763). This premature translational stop signal has been observed in individual(s) with ovarian cancer (PMID: 21213370). This variant is not present in population databases (gnomAD no frequency). This sequence change creates a premature translational stop signal (p.Gln317*) in the BRCA1 gene. It is expected to result in an absent or disrupted protein product. Loss-of-function variants in BRCA1 are known to be pathogenic (PMID: 20104584).

Breast Cancer Information Core (BIC) (BRCA1)
Classification: Pathogenic for Breast-ovarian cancer, familial 1. Last evaluated: 2004-11-25. Review status: no assertion criteria provided. Collection method: clinical testing. Allele origin: germline. Affected: yes. Observed: 2 variant alleles. Not counted in ClinVar's aggregate classification.

Literature cited by the submitters: PubMed 21213370 (cited by Labcorp Genetics (formerly Invitae), Labcorp); PubMed 20104584 (cited by Labcorp Genetics (formerly Invitae), Labcorp).